The following is an entry in ClinVar:

ClinVar aggregate classification (germline): Benign. Review status: criteria provided, multiple submitters, no conflicts (2 of 4 stars). 2 submissions from 2 submitters: Benign (2). Last evaluated 2018-01-12.

Conditions:
Heterotaxy, visceral, 4, autosomal (HTX4). Identifiers: Orphanet 450, MedGen C3151057, MONDO:0013403, OMIM 613751.

Allele frequency attached by ClinVar (database versions not stated): gnomAD 0.30846 and 0.31189; 1000 Genomes Project 0.28954.

Submissions (2):

Illumina Laboratory Services, Illumina
Classification: Benign for Heterotaxy, visceral, 4, autosomal. Last evaluated: 2018-01-12. Review status: criteria provided, single submitter. Criteria: ICSL Variant Classification Criteria 13 December 2019. Collection method: clinical testing. Allele origin: germline.
Comment: This variant was observed in the ICSL laboratory as part of a predisposition screen in an ostensibly healthy population. It had not been previously curated by ICSL or reported in the Human Gene Mutation Database (HGMD: prior to June 1st, 2018), and was therefore a candidate for classification through an automated scoring system. Utilizing variant allele frequency, disease prevalence and penetrance estimates, and inheritance mode, an automated score was calculated to assess if this variant is too frequent to cause the disease. Based on the score and internal cut-off values, a variant classified as benign is not then subjected to further curation. The score for this variant resulted in a classification of benign for this disease.

Breakthrough Genomics
Classification: Benign. Review status: criteria provided, single submitter. Criteria: ACMG Guidelines, 2015. Collection method: not provided. Allele origin: germline. Inheritance: Unknown mechanism. Affected: yes.

NM_001106.4(ACVR2B):c.*9319T>A

Gene: ACVR2B (activin A receptor type 2B; plus strand). Cytogenetic location: 3p22.2.
Variant type: single nucleotide variant.
Coding change: c.*9319T>A on transcript NM_001106.4 (MANE Select); 9319 bases downstream of the stop codon, T replaced by A.
Molecular consequence: 3 prime UTR variant.
Genome position (GRCh38, 1-based): chr3:38,492,651, T>A. VCF-style: chr3-38492651-T-A. GRCh37 (hg19) VCF-style: chr3-38534142-T-A.
Identifiers: ClinVar variation 345049 (VCV000345049.6), dbSNP rs77317995, ClinGen allele CA10616282.
Genomic context (GRCh38, chr3:38,492,651, plus strand): 5'-GAAATAGCTTGTACTACTGAATTAACAAAAGTTATACTAAAGTATCATGTTTAAAAAAAA[T>A]ATATATATATATACAGAGTTAAGCTTGTTGCTGTTACCCTGTCTGGATTTGAAAAGTGTG-3'